The following is an entry in ClinVar:

ClinVar aggregate classification (germline): Uncertain significance (0 of 4 stars; one submission).

Conditions:
PACS1-related disorder. Also called: PACS1-related condition.

Submission:

PreventionGenetics, part of Exact Sciences
Classification: Uncertain significance for PACS1-related condition. Last evaluated: 2023-12-02. Review status: no assertion criteria provided. Collection method: clinical testing. Allele origin: germline.
Comment: The PACS1 c.491G>A variant is predicted to result in the amino acid substitution p.Ser164Asn. To our knowledge, this variant has not been reported in the literature or in a large population database, indicating this variant is rare. At this time, the clinical significance of this variant is uncertain due to the absence of conclusive functional and genetic evidence.

NM_018026.4(PACS1):c.491G>A (p.Ser164Asn)

Gene: PACS1 (phosphofurin acidic cluster sorting protein 1; plus strand). Cytogenetic location: 11q13.2.
Variant type: single nucleotide variant.
Coding change: c.491G>A on transcript NM_018026.4 (MANE Select); coding-DNA position 491, G replaced by A.
Protein change: p.Ser164Asn; replaces serine 164 with asparagine.
Molecular consequence: missense variant.
Genome position (GRCh38, 1-based): chr11:66,210,408, G>A. VCF-style: chr11-66210408-G-A. GRCh37 (hg19) VCF-style: chr11-65977879-G-A.
Other names: short protein forms S164N.
Identifiers: ClinVar variation 3051557 (VCV003051557.2), dbSNP rs2495537211, ClinGen allele CA381339352.